The following is an entry in ClinVar:

ClinVar aggregate classification (germline): Benign. Review status: criteria provided, single submitter (1 of 4 stars). 2 submissions from 2 submitters: Benign (1). 1 of the submissions does not count toward it. Last evaluated 2026-08-01.

Conditions:
DNAH17-related disorder. Also called: DNAH17-related condition.

Allele frequency attached by ClinVar (database versions not stated): 1000 Genomes Project 0.00419; 1000 Genomes Project 30x 0.00468; TOPMed 0.00768; ESP Exome Variant Server 0.00796; gnomAD 0.00824; ExAC 0.01032; gnomAD exomes 0.01072.
gnomAD v4.1: 16,890 of 1,613,464 alleles (1%); highest among the groups gnomAD compares: Non-Finnish European, 1.1%; 120 homozygotes.

Submissions (2):

CeGaT Center for Human Genetics Tuebingen
Classification: Benign. Last evaluated: 2026-08-01. Review status: criteria provided, single submitter. Criteria: CeGaT Center For Human Genetics Tuebingen Variant Classification Criteria Version 2. Collection method: clinical testing. Allele origin: germline. Affected: yes. Observed: 6 variant alleles.
Comment: DNAH17: BP4, BS1, BS2

PreventionGenetics, part of Exact Sciences
Classification: Benign for DNAH17-related condition. Last evaluated: 2024-09-07. Review status: no assertion criteria provided. Collection method: clinical testing. Allele origin: germline. Not counted in ClinVar's aggregate classification.
Comment: This variant is classified as benign based on ACMG/AMP sequence variant interpretation guidelines (Richards et al. 2015 PMID: 25741868, with internal and published modifications).

NM_173628.4(DNAH17):c.6542-6C>T

Genes: DNAH17 (dynein axonemal heavy chain 17; minus strand), DNAH17-AS1 (DNAH17 antisense RNA 1; plus strand). Cytogenetic location: 17q25.3.
Variant type: single nucleotide variant.
Coding change: c.6542-6C>T on transcript NM_173628.4 (MANE Select); 6 bases into the intron before coding-DNA position 6542, C replaced by T.
Molecular consequence: intron variant.
Genome position (GRCh38, 1-based): chr17:78,491,576, G>A on the plus strand (C>T on the coding strand, the complement: DNAH17 is on the minus strand). VCF-style: chr17-78491576-G-A. GRCh37 (hg19) VCF-style: chr17-76487658-G-A.
Other names: c.6542-6C>T (NM_173628.3).
Identifiers: ClinVar variation 2672712 (VCV002672712.24), dbSNP rs76764685, ClinGen allele CA8802705.